The following is an entry in ClinVar:

NM_024642.5(GALNT12):c.1136A>G (p.Asn379Ser)

Gene: GALNT12 (polypeptide N-acetylgalactosaminyltransferase 12; plus strand). Cytogenetic location: 9q22.33.
Variant type: single nucleotide variant.
Coding change: c.1136A>G on transcript NM_024642.5 (MANE Select); coding-DNA position 1136, A replaced by G.
Protein change: p.Asn379Ser; replaces asparagine 379 with serine.
Molecular consequence: missense variant.
Genome position (GRCh38, 1-based): chr9:98,837,072, A>G. VCF-style: chr9-98837072-A-G. GRCh37 (hg19) VCF-style: chr9-101599354-A-G.
Other names: short protein forms N379S.
Identifiers: ClinVar variation 1729722 (VCV001729722.4), dbSNP rs2490533291, ClinGen allele CA374219866.

ClinVar aggregate classification (germline): Uncertain significance (1 of 4 stars; one submission).

Allele frequency attached by ClinVar (database versions not stated): gnomAD exomes below 0.00001.
gnomAD v4.1: 2 of 1,614,224 alleles (0.00012%); highest among the groups gnomAD compares: Non-Finnish European, 0.00017%; no homozygotes.

Submission:

Ambry Genetics
Classification: Uncertain significance. Last evaluated: 2025-10-14. Review status: criteria provided, single submitter. Criteria: Ambry Variant Classification Scheme 2023. Collection method: clinical testing. Allele origin: germline.
Comment: The p.N379S variant (also known as c.1136A>G), located in coding exon 6 of the GALNT12 gene, results from an A to G substitution at nucleotide position 1136. The asparagine at codon 379 is replaced by serine, an amino acid with highly similar properties. This amino acid position is highly conserved in available vertebrate species. In addition, the in silico prediction for this alteration is inconclusive. Since supporting evidence is limited at this time, the clinical significance of this alteration remains unclear.